The following is an entry in ClinVar:

ClinVar aggregate classification (germline): Uncertain significance. Review status: criteria provided, multiple submitters, no conflicts (2 of 4 stars). 2 submissions from 2 submitters: Uncertain significance (2). Last evaluated 2022-09-13.

Conditions:
Inborn genetic diseases. Identifiers: MedGen C0950123, MeSH D030342.

Allele frequency attached by ClinVar (database versions not stated): gnomAD 0.00002.
gnomAD v4.1: 11 of 1,613,516 alleles (0.00068%); highest among the groups gnomAD compares: African/African-American, 0.0027%; no homozygotes.

Submissions (2):

Labcorp Genetics (formerly Invitae), Labcorp
Classification: Uncertain significance. Last evaluated: 2022-09-13. Review status: criteria provided, single submitter. Criteria: Invitae Variant Classification Sherloc (09022015). Collection method: clinical testing. Allele origin: germline.
Comment: This sequence change replaces arginine, which is basic and polar, with histidine, which is basic and polar, at codon 3592 of the PCLO protein (p.Arg3592His). This variant is present in population databases (rs778838697, gnomAD 0.003%). This variant has not been reported in the literature in individuals affected with PCLO-related conditions. ClinVar contains an entry for this variant (Variation ID: 1437370). Algorithms developed to predict the effect of missense changes on protein structure and function are either unavailable or do not agree on the potential impact of this missense change (SIFT: "Deleterious"; PolyPhen-2: "Not Available"; Align-GVGD: "Class C0"). In summary, the available evidence is currently insufficient to determine the role of this variant in disease. Therefore, it has been classified as a Variant of Uncertain Significance.

Ambry Genetics
Classification: Uncertain significance for Inborn genetic diseases. Last evaluated: 2022-05-18. Review status: criteria provided, single submitter. Criteria: Ambry Variant Classification Scheme 2023. Collection method: clinical testing. Allele origin: germline.

NM_033026.6(PCLO):c.10775G>A (p.Arg3592His)

Gene: PCLO (piccolo presynaptic cytomatrix protein; minus strand). Cytogenetic location: 7q21.11.
Variant type: single nucleotide variant.
Coding change: c.10775G>A on transcript NM_033026.6 (MANE Select); coding-DNA position 10775, G replaced by A.
Protein change: p.Arg3592His; replaces arginine 3592 with histidine.
Molecular consequence: missense variant.
Genome position (GRCh38, 1-based): chr7:82,949,813, C>T on the plus strand (G>A on the coding strand, the complement: PCLO is on the minus strand). VCF-style: chr7-82949813-C-T. GRCh37 (hg19) VCF-style: chr7-82579129-C-T.
Other names: c.10775G>A, p.Arg3592His (NM_014510.3); c.10775G>A (NM_033026.5); short protein forms R3592H.
Identifiers: ClinVar variation 1437370 (VCV001437370.8), dbSNP rs778838697, ClinGen allele CA4319684.
Genomic context (GRCh38, chr7:82,949,813, plus strand): 5'-AGCTGTACTGTGGAATCTGCCCGGAGGTGAGATGAATAACCAATCTCTAAAGGTGTTGGG[C>T]GTTTCTTGTCTTTGGGTGGAGATGTGGCACTCAGATATTGAGGACTTTGTGTGTCTGAAT-3'
Protein context (NP_149015.2, residues 3582-3602): SATSPPKDKK[Arg3592His]PTPLEIGYSS